The following is an entry in ClinVar:

NM_015386.3(COG4):c.797G>A (p.Arg266Gln)

Gene: COG4 (component of oligomeric golgi complex 4; minus strand). Cytogenetic location: 16q22.1.
Variant type: single nucleotide variant.
Coding change: c.797G>A on transcript NM_015386.3 (MANE Select); coding-DNA position 797, G replaced by A.
Protein change: p.Arg266Gln; replaces arginine 266 with glutamine.
Molecular consequence: missense variant. On other transcripts: non-coding transcript variant (1).
Genome position (GRCh38, 1-based): chr16:70,509,963, C>T on the plus strand (G>A on the coding strand, the complement: COG4 is on the minus strand). VCF-style: chr16-70509963-C-T. GRCh37 (hg19) VCF-style: chr16-70543866-C-T.
Other names: c.785G>A, p.Arg262Gln (NM_001195139.2); c.371G>A, p.Arg124Gln (NM_001365426.1); short protein forms R266Q, R262Q, R124Q.
Identifiers: ClinVar variation 423834 (VCV000423834.3), dbSNP rs777229476, ClinGen allele CA8144576.

ClinVar aggregate classification (germline): Uncertain significance. Review status: criteria provided, multiple submitters, no conflicts (2 of 4 stars). 2 submissions from 2 submitters: Uncertain significance (2). Last evaluated 2023-11-15.

Conditions:
Inborn genetic diseases. Identifiers: MedGen C0950123, MeSH D030342.

Allele frequency attached by ClinVar (database versions not stated): gnomAD 0.00002; gnomAD exomes 0.00002 and 0.00003; TOPMed 0.00003; ExAC 0.00004.
gnomAD v4.1: 31 of 1,613,830 alleles (0.0019%); highest among the groups gnomAD compares: Middle Eastern, 0.016%; no homozygotes.

Submissions (2):

Ambry Genetics
Classification: Uncertain significance for Inborn genetic diseases. Last evaluated: 2023-11-15. Review status: criteria provided, single submitter. Criteria: Ambry Variant Classification Scheme 2023. Collection method: clinical testing. Allele origin: germline.

GeneDx
Classification: Uncertain significance. Last evaluated: 2018-01-23. Review status: criteria provided, single submitter. Criteria: GeneDx Variant Classification (06012015). Collection method: clinical testing. Allele origin: germline. Affected: yes.
Comment: The R266Q variant in the COG4 gene has not been reported previously as a pathogenic variant, nor as a benign variant, to our knowledge. The R266Q variant is observed in 3/11540 (0.026%) alleles from individuals of Latino background in the ExAC dataset, and no individuals were reported to be homozygous (Lek et al., 2016). The R266Q variant is a semi-conservative amino acid substitution, which may impact secondary protein structure as these residues differ in some properties. This substitution occurs at a position where amino acids with similar properties to Arginine are tolerated across species. In silico analysis is inconsistent in its predictions as to whether or not the variant is damaging to the protein structure/function. We interpret R266Q as a variant of uncertain significance.